The following is an entry in ClinVar:

NM_015338.6(ASXL1):c.57+470A>C

Gene: ASXL1 (ASXL transcriptional regulator 1; plus strand). Cytogenetic location: 20q11.21.
Variant type: single nucleotide variant.
Coding change: c.57+470A>C on transcript NM_015338.6 (MANE Select); 470 bases into the intron after coding-DNA position 57, A replaced by C.
Molecular consequence: intron variant. On other transcripts: 5 prime UTR variant (1).
Genome position (GRCh38, 1-based): chr20:32,359,302, A>C. VCF-style: chr20-32359302-A-C. GRCh37 (hg19) VCF-style: chr20-30947105-A-C.
Other names: c.-6A>C (NM_001363734.1); c.57+470A>C (NM_001164603.1).
Identifiers: ClinVar variation 3257056 (VCV003257056.17).

ClinVar aggregate classification (germline): Likely benign (1 of 4 stars; one submission).

gnomAD v4.1: 8 of 702,456 alleles (0.0011%); highest among the groups gnomAD compares: Admixed American, 0.008%; no homozygotes.

Submission:

CeGaT Center for Human Genetics Tuebingen
Classification: Likely benign. Last evaluated: 2024-07-01. Review status: criteria provided, single submitter. Criteria: CeGaT Center For Human Genetics Tuebingen Variant Classification Criteria Version 2. Collection method: clinical testing. Allele origin: germline. Affected: yes. Observed: 1 variant allele.
Comment: ASXL1: BP4, BS2